The following is an entry in ClinVar:

ClinVar aggregate classification (germline): Uncertain significance. Review status: criteria provided, multiple submitters, no conflicts (2 of 4 stars). 2 submissions from 2 submitters: Uncertain significance (2). Last evaluated 2026-09-11.

Conditions:
Primary familial hypertrophic cardiomyopathy (HCM). Identifiers: Orphanet 99739, MedGen C0949658, MeSH D024741, MONDO:0024573. Inheritance: Various modes of inheritance.
Cardiovascular phenotype. Identifiers: MedGen CN230736.

gnomAD v4.1: 2 of 1,526,564 alleles (0.00013%); highest among the groups gnomAD compares: South Asian, 0.0012%; no homozygotes.

Submissions (2):

Ambry Genetics
Classification: Uncertain significance for Cardiovascular phenotype. Last evaluated: 2026-09-11. Review status: criteria provided, single submitter. Criteria: Ambry Variant Classification Scheme 2023. Collection method: clinical testing. Allele origin: germline.
Comment: The p.P38R variant (also known as c.113C>G), located in coding exon 1 of the RBM20 gene, results from a C to G substitution at nucleotide position 113. The proline at codon 38 is replaced by arginine, an amino acid with dissimilar properties. This amino acid position is conserved. In addition, this alteration is predicted to be tolerated by in silico analysis. Based on the available evidence, the clinical significance of this variant remains unclear.

Petrovsky National Research Centre of Surgery, The Federal Agency for Scientific Organizations
Classification: Uncertain significance for Primary familial hypertrophic cardiomyopathy. Last evaluated: 2025-12-16. Review status: criteria provided, single submitter. Criteria: ACMG Guidelines, 2015. Collection method: clinical testing. Allele origin: germline. Affected: yes. Observed: 1 variant allele.
Comment: The variant is in The Genome Aggregation Database (gnomAD) v4.1.0 with total 0.000001310. (Date of access 2025-12-16).

NM_001134363.3(RBM20):c.113C>G (p.Pro38Arg)

Gene: RBM20 (RNA binding motif protein 20; plus strand). Cytogenetic location: 10q25.2.
Variant type: single nucleotide variant.
Coding change: c.113C>G on transcript NM_001134363.3 (MANE Select); coding-DNA position 113, C replaced by G.
Protein change: p.Pro38Arg; replaces proline 38 with arginine.
Molecular consequence: missense variant.
Genome position (GRCh38, 1-based): chr10:110,644,567, C>G. VCF-style: chr10-110644567-C-G. GRCh37 (hg19) VCF-style: chr10-112404325-C-G.
Other names: short protein forms P38R.
Identifiers: ClinVar variation 3431257 (VCV003431257.3).
Genomic context (GRCh38, chr10:110,644,567, plus strand): 5'-AGCCGGACAGAGTTGCCTGCAGTGTGCCTGGTGCCCGGGCGTCCCCGGCACCCTCCGGCC[C>G]GCGAGGGATGCAGCAGCCGCCGCCGCCGCCCCAGCCACCGCCCCCGCCCCAAGCCGGCCT-3'
Protein context (NP_001127835.2, residues 28-48): GARASPAPSG[Pro38Arg]RGMQQPPPPP